The following is an entry in ClinVar:

ClinVar aggregate classification (germline): Likely benign. Review status: criteria provided, single submitter (1 of 4 stars). 2 submissions from 2 submitters: Likely benign (1). 1 of the submissions does not count toward it. Last evaluated 2026-01-01.

Conditions:
ADGRL2-related disorder. Also called: ADGRL2-related condition.

Allele frequency attached by ClinVar (database versions not stated): 1000 Genomes Project 0.00140; 1000 Genomes Project 30x 0.00156; ExAC 0.00360; TOPMed 0.00462; gnomAD 0.00464; ESP Exome Variant Server 0.00577; gnomAD exomes 0.00729.
gnomAD v4.1: 11,207 of 1,613,964 alleles (0.69%); highest among the groups gnomAD compares: Non-Finnish European, 0.88%; 50 homozygotes.

Submissions (2):

CeGaT Center for Human Genetics Tuebingen
Classification: Likely benign. Last evaluated: 2026-01-01. Review status: criteria provided, single submitter. Criteria: CeGaT Center For Human Genetics Tuebingen Variant Classification Criteria Version 2. Collection method: clinical testing. Allele origin: germline. Affected: yes. Observed: 1 variant allele.
Comment: ADGRL2: BS2

PreventionGenetics, part of Exact Sciences
Classification: Benign for ADGRL2-related condition. Last evaluated: 2019-05-08. Review status: no assertion criteria provided. Collection method: clinical testing. Allele origin: germline. Not counted in ClinVar's aggregate classification.
Comment: This variant is classified as benign based on ACMG/AMP sequence variant interpretation guidelines (Richards et al. 2015 PMID: 25741868, with internal and published modifications).

NM_001366006.2(ADGRL2):c.3688G>C (p.Ala1230Pro)

Gene: ADGRL2 (adhesion G protein-coupled receptor L2; plus strand). Cytogenetic location: 1p31.1.
Variant type: single nucleotide variant.
Coding change: c.3688G>C on transcript NM_001366006.2 (MANE Select); coding-DNA position 3688, G replaced by C.
Protein change: p.Ala1230Pro; replaces alanine 1230 with proline.
Molecular consequence: missense variant. On other transcripts: 3 prime UTR variant (8), non-coding transcript variant (1).
Genome position (GRCh38, 1-based): chr1:81,990,423, G>C. VCF-style: chr1-81990423-G-C. GRCh37 (hg19) VCF-style: chr1-82456107-G-C.
Other names: c.3490G>C, p.Ala1164Pro (NM_001297704.3, NM_001366002.2, NM_001393351.1 and 2 more transcripts); c.*62G>C (NM_001297705.3); c.*21G>C (NM_001297706.3, NM_001366009.2, NM_001393353.1); c.3529G>C, p.Ala1177Pro (NM_001330645.3, NM_001393350.1); c.3670G>C, p.Ala1224Pro (NM_001350698.2, NM_001366003.2, NM_001366004.2 and 1 more transcripts); c.*80G>C (NM_001350699.2, NM_001393354.1); c.3688G>C, p.Ala1230Pro (NM_001366005.2); c.*48G>C (NM_001366007.2, NM_001366008.2); short protein forms A1164P, A1177P, A1224P, A1230P.
Identifiers: ClinVar variation 3042178 (VCV003042178.6), dbSNP rs72719419, ClinGen allele CA923148.